The following is an entry in ClinVar:

NM_203447.4(DOCK8):c.2971-3C>T

Gene: DOCK8 (dedicator of cytokinesis 8; plus strand). Cytogenetic location: 9p24.3.
Variant type: single nucleotide variant.
Coding change: c.2971-3C>T on transcript NM_203447.4 (MANE Select); 3 bases into the intron before coding-DNA position 2971, C replaced by T.
Molecular consequence: intron variant.
Genome position (GRCh38, 1-based): chr9:396,782, C>T. VCF-style: chr9-396782-C-T. GRCh37 (hg19) VCF-style: chr9-396782-C-T.
Other names: c.2767-3C>T (NM_001193536.2); c.2671-3C>T (NM_001190458.2).
Identifiers: ClinVar variation 3052118 (VCV003052118.3), dbSNP rs1409417340, ClinGen allele CA585867301.

ClinVar aggregate classification (germline): Uncertain significance. Review status: criteria provided, single submitter (1 of 4 stars). 2 submissions from 2 submitters: Uncertain significance (1). 1 of the submissions does not count toward it. Last evaluated 2023-07-10.

Conditions:
DOCK8-related disorder. Also called: DOCK8-related condition.

Allele frequency attached by ClinVar (database versions not stated): gnomAD exomes below 0.00001; gnomAD 0.00001.
gnomAD v4.1: 11 of 1,614,126 alleles (0.00068%); highest among the groups gnomAD compares: South Asian, 0.0044%; no homozygotes.

Submissions (2):

Blueprint Genetics
Classification: Uncertain significance. Last evaluated: 2023-07-10. Review status: criteria provided, single submitter. Criteria: ACMG Guidelines, 2015. Collection method: clinical testing. Allele origin: germline.

PreventionGenetics, part of Exact Sciences
Classification: Likely benign for DOCK8-related condition. Last evaluated: 2023-11-03. Review status: no assertion criteria provided. Collection method: clinical testing. Allele origin: germline. Not counted in ClinVar's aggregate classification.
Comment: This variant is classified as likely benign based on ACMG/AMP sequence variant interpretation guidelines (Richards et al. 2015 PMID: 25741868, with internal and published modifications).